The following is an entry in ClinVar:

ClinVar aggregate classification (germline): Pathogenic (1 of 4 stars; one submission).

Conditions:
CACNA1F-related disorder. Also called: CACNA1F-related condition.

Submission:

PreventionGenetics, part of Exact Sciences
Classification: Pathogenic for CACNA1F-related condition. Last evaluated: 2023-07-13. Review status: criteria provided, single submitter. Criteria: ACMG Guidelines, 2015. Collection method: clinical testing. Allele origin: germline.
Comment: The CACNA1F c.273G>A variant is predicted to result in premature protein termination (p.Trp91*). To our knowledge, this variant has not been reported in the literature or in a large population database, indicating this variant is rare. A different nucleotide substitution leading to the same nonsense change, c.272G>A (p.Trp91*) has previously been reported in a patient with Aland Eye Disease (Hove et al 2016. PubMed ID: 28002560). Nonsense variants in CACNA1F are expected to be pathogenic. Therefore we interpret c.273G>A (p.Trp91*) as pathogenic.

NM_001256789.3(CACNA1F):c.273G>A (p.Trp91Ter)

Gene: CACNA1F (calcium voltage-gated channel subunit alpha1 F; minus strand). Cytogenetic location: Xp11.23.
Variant type: single nucleotide variant.
Coding change: c.273G>A on transcript NM_001256789.3 (MANE Select); coding-DNA position 273, G replaced by A.
Protein change: p.Trp91Ter; replaces tryptophan 91 with a stop codon.
Molecular consequence: nonsense.
Genome position (GRCh38, 1-based): chrX:49,231,680, C>T on the plus strand (G>A on the coding strand, the complement: CACNA1F is on the minus strand). VCF-style: chrX-49231680-C-T. GRCh37 (hg19) VCF-style: chrX-49088142-C-T.
Other names: c.78G>A, p.Trp26Ter (NM_001256790.3); c.273G>A, p.Trp91Ter (NM_005183.4); short protein forms W26*, W91*.
Identifiers: ClinVar variation 2631552 (VCV002631552.1), dbSNP rs781960727, ClinGen allele CA412927005.
Genomic context (GRCh38, chrX:49,231,680, plus strand): 5'-TACTCCTGGTACCCTGATGACCCTTACCCCTGGGCCCTGCCCCTGCCTTCCAGGATGCTT[C>T]CACTCCACGATGCTGATGCAGGACCGTCGCAGAGGATTGGCCAGGGTGAGGCAGAAGAGT-3'